The following is an entry in ClinVar:

NM_000350.3(ABCA4):c.1696del (p.His566fs)

Gene: ABCA4 (ATP binding cassette subfamily A member 4; minus strand). Cytogenetic location: 1p22.1.
Variant type: Deletion.
Coding change: c.1696del on transcript NM_000350.3 (MANE Select); coding-DNA position 1696, one base deleted (C; older notation c.1696delC).
Protein change: p.His566fs; shifts the reading frame from histidine 566.
Molecular consequence: frameshift variant.
Genome position (GRCh38, 1-based): chr1:94,063,176, G deleted on the plus strand (C on the coding strand, the reverse complement: ABCA4 is on the minus strand); the first of 4 consecutive G bases (chr1:94,063,176-94,063,179); deleting any one gives the same sequence. VCF-style (leftmost placement, unchanged base first): chr1-94063175-TG-T. GRCh37 (hg19) VCF-style: chr1-94528731-TG-T.
Other names: c.1693delC, p.His566Thrfs (NM_001425324.1); short protein forms H566fs.
Identifiers: ClinVar variation 1453012 (VCV001453012.7), dbSNP rs756623639, ClinGen allele CA958453.

ClinVar aggregate classification (germline): Pathogenic/Likely pathogenic. Review status: criteria provided, multiple submitters, no conflicts (2 of 4 stars). 2 submissions from 2 submitters: Pathogenic (1); Likely pathogenic (1). Last evaluated 2022-10-10.

Conditions:
ABCA4-related disorder. Also called: ABCA4-related disorders; ABCA4-related condition. Identifiers: MedGen CN239167.

Submissions (2):

Blueprint Genetics
Classification: Likely pathogenic for ABCA4-related disorders. Last evaluated: 2022-10-10. Review status: criteria provided, single submitter. Criteria: ACMG Guidelines, 2015. Collection method: clinical testing. Allele origin: germline. Affected: yes. Observed: 1 variant allele.

Labcorp Genetics (formerly Invitae), Labcorp
Classification: Pathogenic. Last evaluated: 2021-06-08. Review status: criteria provided, single submitter. Criteria: Invitae Variant Classification Sherloc (09022015). Collection method: clinical testing. Allele origin: germline.
Comment: This sequence change creates a premature translational stop signal (p.His566Thrfs*2) in the ABCA4 gene. It is expected to result in an absent or disrupted protein product. Loss-of-function variants in ABCA4 are known to be pathogenic (PMID: 10958761, 24938718, 25312043, 26780318). This variant is present in population databases (rs756623639, ExAC 0.006%). This variant has not been reported in the literature in individuals with ABCA4-related conditions. For these reasons, this variant has been classified as Pathogenic.

Literature cited by the submitters: PubMed 10958761 (cited by Labcorp Genetics (formerly Invitae), Labcorp); PubMed 24938718 (cited by Labcorp Genetics (formerly Invitae), Labcorp); PubMed 25312043 (cited by Labcorp Genetics (formerly Invitae), Labcorp); PubMed 26780318 (cited by Labcorp Genetics (formerly Invitae), Labcorp).